The following is an entry in ClinVar:

NM_001371928.1(AHDC1):c.2438G>A (p.Arg813His)

Gene: AHDC1 (AT-hook DNA binding motif containing 1; minus strand). Cytogenetic location: 1p36.11.
Variant type: single nucleotide variant.
Coding change: c.2438G>A on transcript NM_001371928.1 (MANE Select); coding-DNA position 2438, G replaced by A.
Protein change: p.Arg813His; replaces arginine 813 with histidine.
Molecular consequence: missense variant.
Genome position (GRCh38, 1-based): chr1:27,549,678, C>T on the plus strand (G>A on the coding strand, the complement: AHDC1 is on the minus strand). VCF-style: chr1-27549678-C-T. GRCh37 (hg19) VCF-style: chr1-27876189-C-T.
Other names: c.2438G>A (NM_001029882.2); c.2438G>A, p.Arg813His (NM_001029882.3); short protein forms R813H.
Identifiers: ClinVar variation 597877 (VCV000597877.49), dbSNP rs138299564, ClinGen allele CA715763.
Genomic context (GRCh38, chr1:27,549,678, plus strand): 5'-TGGCGCTCCTGGCTGAGCTCGGTCTGGCCTGAGGGTGCACCCGTGCTGTAGTAGCTGCCA[C>T]GGCCTGAGGCTCCACTCTCCAGCCCAGTGGAGGCAAAGGCCCGGGCCTCGGTCCCCTGAA-3'
Protein context (NP_001358857.1, residues 803-823): STGLESGASG[Arg813His]GSYYSTGAPS

ClinVar aggregate classification (germline): Conflicting classifications of pathogenicity. Review status: criteria provided, conflicting classifications (1 of 4 stars). 4 submissions from 4 submitters: Uncertain significance (1); Likely benign (3). Last evaluated 2026-01-12.

Conditions:
Inborn genetic diseases. Identifiers: MedGen C0950123, MeSH D030342.

Allele frequency attached by ClinVar (database versions not stated): ESP Exome Variant Server 0.00008; gnomAD 0.00011 and 0.00013; TOPMed 0.00013; 1000 Genomes Project 30x 0.00031; 1000 Genomes Project 0.00040.
gnomAD v4.1: 191 of 1,613,096 alleles (0.012%); highest among the groups gnomAD compares: Middle Eastern, 0.4%; 2 homozygotes.

Submissions (4):

Labcorp Genetics (formerly Invitae), Labcorp
Classification: Likely benign. Last evaluated: 2026-01-12. Review status: criteria provided, single submitter. Criteria: Invitae Variant Classification Sherloc (09022015). Collection method: clinical testing. Allele origin: germline.

Ambry Genetics
Classification: Likely benign for Inborn genetic diseases. Last evaluated: 2026-01-02. Review status: criteria provided, single submitter. Criteria: Ambry Variant Classification Scheme 2023. Collection method: clinical testing. Allele origin: germline.

CeGaT Center for Human Genetics Tuebingen
Classification: Likely benign. Last evaluated: 2025-09-01. Review status: criteria provided, single submitter. Criteria: CeGaT Center For Human Genetics Tuebingen Variant Classification Criteria Version 2. Collection method: clinical testing. Allele origin: germline. Affected: yes. Observed: 4 variant alleles.
Comment: AHDC1: BS1

Eurofins Ntd Llc (ga)
Classification: Uncertain significance. Last evaluated: 2018-06-29. Review status: criteria provided, single submitter. Criteria: EGL ClinVar v180209 classification definitions. Collection method: clinical testing. Allele origin: germline. Observed: 1 variant allele, 1 heterozygote.